The following is an entry in ClinVar:

ClinVar aggregate classification (germline): Likely benign. Review status: criteria provided, multiple submitters, no conflicts (2 of 4 stars). 2 submissions from 2 submitters: Likely benign (2). Last evaluated 2024-11-14.

Conditions:
Smith-Lemli-Opitz syndrome (SLOS). Also called: LETHAL ACRODYSGENITAL SYNDROME; POLYDACTYLY, SEX REVERSAL, RENAL HYPOPLASIA, AND UNILOBAR LUNG; RSH SYNDROME; RUTLEDGE LETHAL MULTIPLE CONGENITAL ANOMALY SYNDROME; 7-Dehydrocholesterol reductase deficiency. Identifiers: Orphanet 818, MedGen C0175694, MONDO:0010035, OMIM 270400.
DHCR7-related disorder. Also called: DHCR7-related condition.

Allele frequency attached by ClinVar (database versions not stated): gnomAD 0.00001; gnomAD exomes 0.00002.
gnomAD v4.1: 15 of 1,614,032 alleles (0.00093%); highest among the groups gnomAD compares: African/African-American, 0.0013%; no homozygotes.

Submissions (2):

PreventionGenetics, part of Exact Sciences
Classification: Likely benign for DHCR7-related condition. Last evaluated: 2024-11-14. Review status: criteria provided, single submitter. Criteria: ACMG Guidelines, 2015. Collection method: clinical testing. Allele origin: germline.
Comment: This variant is classified as likely benign based on ACMG/AMP sequence variant interpretation guidelines (Richards et al. 2015 PMID: 25741868, with internal and published modifications).

Labcorp Genetics (formerly Invitae), Labcorp
Classification: Likely benign for Smith-Lemli-Opitz syndrome. Last evaluated: 2023-12-16. Review status: criteria provided, single submitter. Criteria: Invitae Variant Classification Sherloc (09022015). Collection method: clinical testing. Allele origin: germline.

NM_001360.3(DHCR7):c.537A>G (p.Pro179=)

Gene: DHCR7 (7-dehydrocholesterol reductase; minus strand). Cytogenetic location: 11q13.4.
Variant type: single nucleotide variant.
Coding change: c.537A>G on transcript NM_001360.3 (MANE Select); coding-DNA position 537, A replaced by G.
Protein change: p.Pro179=; no amino-acid change (proline 179 retained).
Molecular consequence: synonymous variant.
Genome position (GRCh38, 1-based): chr11:71,441,316, T>C on the plus strand (A>G on the coding strand, the complement: DHCR7 is on the minus strand). VCF-style: chr11-71441316-T-C. GRCh37 (hg19) VCF-style: chr11-71152362-T-C.
Other names: c.537A>G, p.Pro179= (NM_001163817.2, NM_001425107.1, NM_001425109.1 and 7 more transcripts); c.573A>G, p.Pro191= (NM_001425108.1); c.477A>G, p.Pro159= (NM_001425113.1); c.441A>G, p.Pro147= (NM_001425114.1, NM_001425116.1); c.363A>G, p.Pro121= (NM_001425117.1).
Identifiers: ClinVar variation 3015221 (VCV003015221.4), dbSNP rs1233208384, ClinGen allele CA475518310.